The following is an entry in ClinVar:

NM_020433.5(JPH2):c.1727C>T (p.Pro576Leu)

Gene: JPH2 (junctophilin 2; minus strand). Cytogenetic location: 20q13.12.
Variant type: single nucleotide variant.
Coding change: c.1727C>T on transcript NM_020433.5 (MANE Select); coding-DNA position 1727, C replaced by T.
Protein change: p.Pro576Leu; replaces proline 576 with leucine.
Molecular consequence: missense variant.
Genome position (GRCh38, 1-based): chr20:44,115,948, G>A on the plus strand (C>T on the coding strand, the complement: JPH2 is on the minus strand). VCF-style: chr20-44115948-G-A. GRCh37 (hg19) VCF-style: chr20-42744588-G-A.
Other names: short protein forms P576L.
Identifiers: ClinVar variation 1016514 (VCV001016514.8), dbSNP rs1381167166, ClinGen allele CA409100047.
Genomic context (GRCh38, chr20:44,115,948, plus strand): 5'-GGCGCGGACTCGGACCCGGAGACCTCGGGCTCGGGCTGGTCCTCAAAGGGTGGGGGCTCG[G>A]GCGGCGTGGTGCGCACAGCATAGCTGTGGTAGCCCTGGTAAAGCGCCACCTCCGGCTCCC-3'
Protein context (NP_065166.2, residues 566-586): YHSYAVRTTP[Pro576Leu]EPPPFEDQPE

ClinVar aggregate classification (germline): Uncertain significance (1 of 4 stars; one submission).

Conditions:
Hypertrophic cardiomyopathy. Also called: HYPERTROPHIC MYOCARDIOPATHY. Identifiers: Orphanet 217569, MedGen C0007194, MeSH D002312, MONDO:0005045, HP:0001639.

Allele frequency attached by ClinVar (database versions not stated): gnomAD exomes below 0.00001; TOPMed below 0.00001; gnomAD 0.00001.
gnomAD v4.1: 3 of 1,569,102 alleles (0.00019%); highest among the groups gnomAD compares: Non-Finnish European, 0.00017%; no homozygotes.

Submission:

Labcorp Genetics (formerly Invitae), Labcorp
Classification: Uncertain significance for Hypertrophic cardiomyopathy. Last evaluated: 2018-02-01. Review status: criteria provided, single submitter. Criteria: Invitae Variant Classification Sherloc (09022015). Collection method: clinical testing. Allele origin: germline.
Comment: Algorithms developed to predict the effect of missense changes on protein structure and function do not agree on the potential impact of this missense change (SIFT: "Deleterious"; PolyPhen-2: "Benign"; Align-GVGD: "Class C0"). This variant has not been reported in the literature in individuals with JPH2-related disease. This variant is not present in population databases (ExAC no frequency). This sequence change replaces proline with leucine at codon 576 of the JPH2 protein (p.Pro576Leu). The proline residue is highly conserved and there is a moderate physicochemical difference between proline and leucine. In summary, the available evidence is currently insufficient to determine the role of this variant in disease. Therefore, it has been classified as a Variant of Uncertain Significance.